The following is an entry in ClinVar:

ClinVar aggregate classification (germline): Uncertain significance (1 of 4 stars; one submission).

Allele frequency attached by ClinVar (database versions not stated): gnomAD exomes below 0.00001; ExAC 0.00001; TOPMed 0.00001; ESP Exome Variant Server 0.00008.
gnomAD v4.1: 5 of 1,614,178 alleles (0.00031%); highest among the groups gnomAD compares: African/African-American, 0.0013%; no homozygotes.

Submission:

Labcorp Genetics (formerly Invitae), Labcorp
Classification: Uncertain significance. Last evaluated: 2024-02-27. Review status: criteria provided, single submitter. Criteria: Invitae Variant Classification Sherloc (09022015). Collection method: clinical testing. Allele origin: germline.
Comment: This sequence change replaces lysine, which is basic and polar, with arginine, which is basic and polar, at codon 177 of the BACH2 protein (p.Lys177Arg). This variant is present in population databases (rs147193617, gnomAD 0.002%). This variant has not been reported in the literature in individuals affected with BACH2-related conditions. Advanced modeling of protein sequence and biophysical properties (such as structural, functional, and spatial information, amino acid conservation, physicochemical variation, residue mobility, and thermodynamic stability) performed at Invitae indicates that this missense variant is not expected to disrupt BACH2 protein function with a negative predictive value of 80%. In summary, the available evidence is currently insufficient to determine the role of this variant in disease. Therefore, it has been classified as a Variant of Uncertain Significance.

NM_021813.4(BACH2):c.530A>G (p.Lys177Arg)

Gene: BACH2 (BACH transcriptional regulator 2; minus strand). Cytogenetic location: 6q15.
Variant type: single nucleotide variant.
Coding change: c.530A>G on transcript NM_021813.4 (MANE Select); coding-DNA position 530, A replaced by G.
Protein change: p.Lys177Arg; replaces lysine 177 with arginine.
Molecular consequence: missense variant.
Genome position (GRCh38, 1-based): chr6:89,951,576, T>C on the plus strand (A>G on the coding strand, the complement: BACH2 is on the minus strand). VCF-style: chr6-89951576-T-C. GRCh37 (hg19) VCF-style: chr6-90661295-T-C.
Other names: c.530A>G, p.Lys177Arg (NM_001170794.2); short protein forms K177R.
Identifiers: ClinVar variation 2904911 (VCV002904911.3), dbSNP rs147193617, ClinGen allele CA3928148.
Genomic context (GRCh38, chr6:89,951,576, plus strand): 5'-ATGGCGGCGGCCTCAAAGCTGATGGGCTCTGGAAGCATCTGGTCCCTGGGGCAAGCCATC[T>C]TGGCCGTCTCTGAATCCATCGTCTCCTCCTCTTCATCCTCCTCCTCTCCTGCAGAGTTCT-3'
Protein context (NP_068585.1, residues 167-187): EEETMDSETA[Lys177Arg]MACPRDQMLP